The following is an entry in ClinVar:

ClinVar aggregate classification (germline): Uncertain significance. Review status: criteria provided, multiple submitters, no conflicts (2 of 4 stars). 4 submissions from 4 submitters: Uncertain significance (4). Last evaluated 2025-10-06.

Conditions:
COL12A1-related disorder. Also called: COL12A1-related condition.
Ullrich congenital muscular dystrophy 2 (UCMD2). Identifiers: Orphanet 75840, MedGen C4225314, MONDO:0014654, OMIM 616470.
Bethlem myopathy 2 (BTHLM2). Identifiers: Orphanet 536516, Orphanet 610, MedGen C4225313, MONDO:0034022, OMIM 616471.

Allele frequency attached by ClinVar (database versions not stated): gnomAD exomes below 0.00001 and 0.00002; gnomAD 0.00001; TOPMed 0.00003.
gnomAD v4.1: 31 of 1,612,310 alleles (0.0019%); highest among the groups gnomAD compares: Non-Finnish European, 0.0026%; no homozygotes.

Submissions (4):

Labcorp Genetics (formerly Invitae), Labcorp
Classification: Uncertain significance for Bethlem myopathy 2; Ullrich congenital muscular dystrophy 2. Last evaluated: 2025-10-06. Review status: criteria provided, single submitter. Criteria: Invitae Variant Classification Sherloc (09022015). Collection method: clinical testing. Allele origin: germline.
Comment: This sequence change falls in intron 14 of the COL12A1 gene. It does not directly change the encoded amino acid sequence of the COL12A1 protein. It affects a nucleotide within the consensus splice site. This variant is present in population databases (no rsID available, gnomAD 0.0008%). This variant has not been reported in the literature in individuals affected with COL12A1-related conditions. ClinVar contains an entry for this variant (Variation ID: 420815). Variants that disrupt the consensus splice site are a relatively common cause of aberrant splicing (PMID: 17576681, 9536098). Algorithms developed to predict the effect of sequence changes on RNA splicing suggest that this variant may disrupt the consensus splice site. In summary, the available evidence is currently insufficient to determine the role of this variant in disease. Therefore, it has been classified as a Variant of Uncertain Significance.

Women's Health and Genetics/Laboratory Corporation of America, LabCorp
Classification: Uncertain significance. Last evaluated: 2025-04-14. Review status: criteria provided, single submitter. Criteria: LabCorp Variant Classification Summary - May 2015. Collection method: clinical testing. Allele origin: germline.
Comment: Variant summary: COL12A1 c.2983+5G>A alters a nucleotide located close to a canonical splice site and therefore could affect mRNA splicing, leading to a significantly altered protein sequence. Several computational tools predict a significant impact on normal splicing: Four predict the variant abolishes a 5' splicing donor site. However, these predictions have yet to be confirmed by functional studies. The variant allele was found at a frequency of 4e-06 in 247434 control chromosomes (gnomAD). The available data on variant occurrences in the general population are insufficient to allow any conclusion about variant significance. To our knowledge, no occurrence of c.2983+5G>A in individuals affected with Ullrich congenital muscular dystrophy 2 and no experimental evidence demonstrating its impact on protein function have been reported. ClinVar contains an entry for this variant (Variation ID: 420815). Based on the evidence outlined above, the variant was classified as uncertain significance.

PreventionGenetics, part of Exact Sciences
Classification: Uncertain significance for COL12A1-related condition. Last evaluated: 2025-01-28. Review status: criteria provided, single submitter. Criteria: ACMG Guidelines, 2015. Collection method: clinical testing. Allele origin: germline.
Comment: The COL12A1 c.2983+5G>A variant is predicted to interfere with splicing. To our knowledge, this variant has not been reported in the literature. This variant is reported in 0.00078% of alleles in individuals of European (Non-Finnish) descent in gnomAD. At this time, the clinical significance of this variant is uncertain due to the absence of conclusive functional and genetic evidence.

GeneDx
Classification: Uncertain significance. Last evaluated: 2017-03-23. Review status: criteria provided, single submitter. Criteria: GeneDx Variant Classification (06012015). Collection method: clinical testing. Allele origin: germline. Affected: yes.
Comment: The c.2983+5G>A variant in the COL12A1 gene has not been reported previously as a pathogenic variant nor as a benign variant, to our knowledge. This variant reduces the quality of the splice donor site in intron 14, and may cause abnormal gene splicing. The c.2983+5G>A variant is not observed in large population cohorts (Lek et al., 2016; 1000 Genomes Consortium et al., 2015; Exome Variant Server). We interpret c.2983+5G>A as a variant of uncertain significance.

Literature cited by the submitters: PubMed 17576681 (cited by Labcorp Genetics (formerly Invitae), Labcorp); PubMed 9536098 (cited by Labcorp Genetics (formerly Invitae), Labcorp).

NM_004370.6(COL12A1):c.2983+5G>A

Gene: COL12A1 (collagen type XII alpha 1 chain; minus strand). Cytogenetic location: 6q13.
Variant type: single nucleotide variant.
Coding change: c.2983+5G>A on transcript NM_004370.6 (MANE Select); 5 bases into the intron after coding-DNA position 2983, G replaced by A.
Molecular consequence: intron variant.
Genome position (GRCh38, 1-based): chr6:75,165,502, C>T on the plus strand (G>A on the coding strand, the complement: COL12A1 is on the minus strand). VCF-style: chr6-75165502-C-T. GRCh37 (hg19) VCF-style: chr6-75875218-C-T.
Other names: c.74-13020G>A (NM_080645.3).
Identifiers: ClinVar variation 420815 (VCV000420815.11), dbSNP rs1064794720, ClinGen allele CA16618308.